The following is an entry in ClinVar:

NM_014423.4(AFF4):c.89C>A (p.Pro30His)

Gene: AFF4 (ALF transcription elongation factor 4; minus strand). Cytogenetic location: 5q31.1.
Variant type: single nucleotide variant.
Coding change: c.89C>A on transcript NM_014423.4 (MANE Select); coding-DNA position 89, C replaced by A.
Protein change: p.Pro30His; replaces proline 30 with histidine.
Molecular consequence: missense variant.
Genome position (GRCh38, 1-based): chr5:132,937,101, G>T on the plus strand (C>A on the coding strand, the complement: AFF4 is on the minus strand). VCF-style: chr5-132937101-G-T. GRCh37 (hg19) VCF-style: chr5-132272793-G-T.
Other names: short protein forms P30H.
Identifiers: ClinVar variation 2206706 (VCV002206706.3), dbSNP rs745359210, ClinGen allele CA3409516.

ClinVar aggregate classification (germline): Uncertain significance. Review status: criteria provided, single submitter (1 of 4 stars). 2 submissions from 2 submitters: Uncertain significance (1). 1 of the submissions does not count toward it. Last evaluated 2022-09-22.

Conditions:
Inborn genetic diseases. Identifiers: MedGen C0950123, MeSH D030342.
AFF4-related disorder. Also called: AFF4-related condition.

Allele frequency attached by ClinVar (database versions not stated): TOPMed below 0.00001; gnomAD 0.00001.
gnomAD v4.1: 16 of 1,613,666 alleles (0.00099%); highest among the groups gnomAD compares: African/African-American, 0.0013%; no homozygotes.

Submissions (2):

Ambry Genetics
Classification: Uncertain significance for Inborn genetic diseases. Last evaluated: 2022-09-22. Review status: criteria provided, single submitter. Criteria: Ambry Variant Classification Scheme 2023. Collection method: clinical testing. Allele origin: germline.

PreventionGenetics, part of Exact Sciences
Classification: Uncertain significance for AFF4-related condition. Last evaluated: 2024-06-28. Review status: no assertion criteria provided. Collection method: clinical testing. Allele origin: germline. Not counted in ClinVar's aggregate classification.
Comment: The AFF4 c.89C>A variant is predicted to result in the amino acid substitution p.Pro30His. To our knowledge, this variant has not been reported in the literature. This variant is reported in 0.0046% of alleles in individuals of European (Non-Finnish) descent in gnomAD. At this time, the clinical significance of this variant is uncertain due to the absence of conclusive functional and genetic evidence.